The following is an entry in ClinVar:

ClinVar aggregate classification (germline): Uncertain significance (1 of 4 stars; one submission).

Conditions:
Neurodevelopmental disorder with movement abnormalities, abnormal gait, and autistic features. Identifiers: MedGen C4693405, MONDO:0060642, OMIM 617865.

Submission:

Division Of Personalized Genomic Medicine, Columbia University Irving Medical Center
Classification: Uncertain significance for Neurodevelopmental disorder with movement abnormalities, abnormal gait, and autistic features. Last evaluated: 2019-10-18. Review status: criteria provided, single submitter. Criteria: ACMG Guidelines, 2015. Collection method: clinical testing. Allele origin: germline. Inheritance: Autosomal dominant inheritance. Observed: 1 heterozygote.
Comment: The c.1439G>A variant is a single base pair substitution at nucleotide c.1439 in the exon 5 of 14 of the ZSWIM gene, which creates a premature translational stop signal at amino acid 480 of 1216 (p.Trp480*). This variant has not been observed in the Genome Aggregation Database (gnomAD), indicating that it is not a common benign variant in the populations represented in this database. While it has not been reported in the literature or any human genetic disease databases, this nonsense variant is anticipated to result in nonsense mediated decay. However, recent literature evidence suggested that mRNA with a recurrent de novo nonsense variant, distal to this variant, may escape nonsense mediated decay and cellular consequences may be due to dominant negative effect caused by the presence of truncated ZSWIM6 protein (PMID: 29198722).

Literature cited by the submitters: PubMed 29198722.

NM_020928.2(ZSWIM6):c.1440G>A (p.Trp480Ter)

Gene: ZSWIM6 (zinc finger SWIM-type containing 6; plus strand). Cytogenetic location: 5q12.1.
Variant type: single nucleotide variant.
Coding change: c.1440G>A on transcript NM_020928.2 (MANE Select); coding-DNA position 1440, G replaced by A.
Protein change: p.Trp480Ter; replaces tryptophan 480 with a stop codon.
Molecular consequence: nonsense.
Genome position (GRCh38, 1-based): chr5:61,521,369, G>A. VCF-style: chr5-61521369-G-A. GRCh37 (hg19) VCF-style: chr5-60817196-G-A.
Other names: short protein forms W480*.
Identifiers: ClinVar variation 2581066 (VCV002581066.2), dbSNP rs1436800725, ClinGen allele CA359942882.